The following is an entry in ClinVar:

ClinVar aggregate classification (germline): Uncertain significance (1 of 4 stars; one submission).

Conditions:
Spastic paraplegia. Identifiers: MedGen C0037772, HP:0001258.

Submission:

Labcorp Genetics (formerly Invitae), Labcorp
Classification: Uncertain significance for Spastic paraplegia. Last evaluated: 2025-12-21. Review status: criteria provided, single submitter. Criteria: Invitae Variant Classification Sherloc (09022015). Collection method: clinical testing. Allele origin: germline.
Comment: This sequence change affects the initiator codon of the KIF5A mRNA. This change may impact translation initiation or efficiency. The next in-frame methionine is located at codon 68. This variant is not present in population databases (gnomAD no frequency). This variant has not been reported in the literature in individuals affected with KIF5A-related conditions. This variant disrupts a region of the KIF5A protein in which other variant(s) (p.Tyr63Cys) have been observed in individuals with KIF5A-related conditions (PMID: 18853458). This suggests that this is a clinically significant region of the protein, and that variants that disrupt it are likely to be disease-causing. In summary, the available evidence is currently insufficient to determine the role of this variant in disease. Therefore, it has been classified as a Variant of Uncertain Significance.

Literature cited by the submitters: PubMed 18853458.

NM_004984.4(KIF5A):c.1A>G (p.Met1Val)

Gene: KIF5A (kinesin family member 5A; plus strand). Cytogenetic location: 12q13.3.
Variant type: single nucleotide variant.
Coding change: c.1A>G on transcript NM_004984.4 (MANE Select); coding-DNA position 1, A replaced by G.
Protein change: p.Met1Val; changes the start codon (methionine 1).
Molecular consequence: missense variant, initiator codon variant.
Genome position (GRCh38, 1-based): chr12:57,550,272, A>G. VCF-style: chr12-57550272-A-G. GRCh37 (hg19) VCF-style: chr12-57944055-A-G.
Other names: c.1A>G, p.Met1Val (NM_001354705.2); short protein forms M1V.
Identifiers: ClinVar variation 4701374 (VCV004701374.1).